The following is an entry in ClinVar:

ClinVar aggregate classification (germline): Uncertain significance (1 of 4 stars; one submission).

Submission:

Labcorp Genetics (formerly Invitae), Labcorp
Classification: Uncertain significance. Last evaluated: 2024-08-28. Review status: criteria provided, single submitter. Criteria: Invitae Variant Classification Sherloc (09022015). Collection method: clinical testing. Allele origin: germline.
Comment: This sequence change disrupts the translational stop signal of the SMARCB1 mRNA. It is expected to extend the length of the SMARCB1 protein by 36 additional amino acid residues. This variant is not present in population databases (gnomAD no frequency). This variant has not been reported in the literature in individuals affected with SMARCB1-related conditions. Experimental studies and prediction algorithms are not available or were not evaluated, and the functional significance of this variant is currently unknown. In summary, the available evidence is currently insufficient to determine the role of this variant in disease. Therefore, it has been classified as a Variant of Uncertain Significance.

NM_003073.5(SMARCB1):c.1156T>C (p.Ter386Gln)

Gene: SMARCB1 (SWI/SNF related BAF chromatin remodeling complex subunit B1; plus strand). Cytogenetic location: 22q11.23.
Variant type: single nucleotide variant.
Coding change: c.1156T>C on transcript NM_003073.5 (MANE Select); coding-DNA position 1156, T replaced by C.
Protein change: p.Ter386Gln.
Molecular consequence: stop lost.
Genome position (GRCh38, 1-based): chr22:23,834,178, T>C. VCF-style: chr22-23834178-T-C. GRCh37 (hg19) VCF-style: chr22-24176365-T-C.
Other names: c.1129T>C, p.Ter377Gln (NM_001007468.3); c.1183T>C, p.Ter395Gln (NM_001317946.2); c.1210T>C, p.Ter404Gln (NM_001362877.2).
Identifiers: ClinVar variation 3663792 (VCV003663792.2).